The following is an entry in ClinVar:

NM_018718.3(CEP41):c.724C>T (p.Arg242Cys)

Gene: CEP41 (centrosomal protein 41; minus strand). Cytogenetic location: 7q32.2.
Variant type: single nucleotide variant.
Coding change: c.724C>T on transcript NM_018718.3 (MANE Select); coding-DNA position 724, C replaced by T.
Protein change: p.Arg242Cys; replaces arginine 242 with cysteine.
Molecular consequence: missense variant. On other transcripts: non-coding transcript variant (1).
Genome position (GRCh38, 1-based): chr7:130,400,740, G>A on the plus strand (C>T on the coding strand, the complement: CEP41 is on the minus strand). VCF-style: chr7-130400740-G-A. GRCh37 (hg19) VCF-style: chr7-130040581-G-A.
Other names: c.724C>T, p.Arg242Cys (NM_001257158.2); c.676C>T, p.Arg226Cys (NM_001257159.2); short protein forms R226C, R242C.
Identifiers: ClinVar variation 1021035 (VCV001021035.6), dbSNP rs1554416667, ClinGen allele CA369287800.
Genomic context (GRCh38, chr7:130,400,740, plus strand): 5'-TCCCAAGCAGAGTATCACCTTGCTCACCTCCGGAAAGCATGAAGAGGTTTTCAAATCCAC[G>A]CTCGCACATGGTGGTGGCCGCCTGACTGGCCAGCCTTTCATCATCGTCATACAGAATGAT-3'
Protein context (NP_061188.1, residues 232-252): ASQAATTMCE[Arg242Cys]GFENLFMLSG

ClinVar aggregate classification (germline): Uncertain significance (1 of 4 stars; one submission).

Conditions:
Joubert syndrome 15 (JBTS15). Identifiers: Orphanet 475, MedGen C3280897, MONDO:0013763, OMIM 614464.

Allele frequency attached by ClinVar (database versions not stated): gnomAD 0.00001.
gnomAD v4.1: 10 of 1,613,252 alleles (0.00062%); highest among the groups gnomAD compares: East Asian, 0.016%; no homozygotes.

Submission:

Labcorp Genetics (formerly Invitae), Labcorp
Classification: Uncertain significance for Joubert syndrome 15. Last evaluated: 2022-02-24. Review status: criteria provided, single submitter. Criteria: Invitae Variant Classification Sherloc (09022015). Collection method: clinical testing. Allele origin: germline.
Comment: In summary, the available evidence is currently insufficient to determine the role of this variant in disease. Therefore, it has been classified as a Variant of Uncertain Significance. Algorithms developed to predict the effect of missense changes on protein structure and function (SIFT, PolyPhen-2, Align-GVGD) all suggest that this variant is likely to be disruptive. ClinVar contains an entry for this variant (Variation ID: 1021035). This variant has not been reported in the literature in individuals affected with CEP41-related conditions. This variant is not present in population databases (gnomAD no frequency). This sequence change replaces arginine, which is basic and polar, with cysteine, which is neutral and slightly polar, at codon 242 of the CEP41 protein (p.Arg242Cys).